The following is an entry in ClinVar:

ClinVar aggregate classification (germline): Uncertain significance (1 of 4 stars; one submission).

gnomAD v4.1: 9 of 1,564,838 alleles (0.00058%); highest among the groups gnomAD compares: Non-Finnish European, 0.00078%; no homozygotes.

Submission:

Labcorp Genetics (formerly Invitae), Labcorp
Classification: Uncertain significance. Last evaluated: 2022-01-27. Review status: criteria provided, single submitter. Criteria: Invitae Variant Classification Sherloc (09022015). Collection method: clinical testing. Allele origin: germline.
Comment: Algorithms developed to predict the effect of missense changes on protein structure and function (SIFT, PolyPhen-2, Align-GVGD) all suggest that this variant is likely to be tolerated. In summary, the available evidence is currently insufficient to determine the role of this variant in disease. Therefore, it has been classified as a Variant of Uncertain Significance. This variant has not been reported in the literature in individuals affected with DVL1-related conditions. This variant is not present in population databases (gnomAD no frequency). This sequence change replaces methionine, which is neutral and non-polar, with valine, which is neutral and non-polar, at codon 52 of the DVL1 protein (p.Met52Val).

NM_001330311.2(DVL1):c.154A>G (p.Met52Val)

Gene: DVL1 (dishevelled segment polarity protein 1; minus strand). Cytogenetic location: 1p36.33.
Variant type: single nucleotide variant.
Coding change: c.154A>G on transcript NM_001330311.2 (MANE Select); coding-DNA position 154, A replaced by G.
Protein change: p.Met52Val; replaces methionine 52 with valine.
Molecular consequence: missense variant.
Genome position (GRCh38, 1-based): chr1:1,348,912, T>C on the plus strand (A>G on the coding strand, the complement: DVL1 is on the minus strand). VCF-style: chr1-1348912-T-C. GRCh37 (hg19) VCF-style: chr1-1284292-T-C.
Other names: c.154A>G, p.Met52Val (NM_004421.3); short protein forms M52V.
Identifiers: ClinVar variation 2421858 (VCV002421858.6), dbSNP rs1466455395, ClinGen allele CA337879057.
Genomic context (GRCh38, chr1:1,348,912, plus strand): 5'-CCCGAGCCCGCGCCAGGCTCGCGCAGGCCTCGCGGCCGACTGACCCGAAGTCCTGGTCCA[T>C]GGACTTAAAGAAGAATTTGTAGGCGTGCACGGGCCGGTTGCTGAGCACGTTCTTGAAGTC-3'
Protein context (NP_001317240.1, residues 42-62): VHAYKFFFKS[Met52Val]DQDFGVVKEE